The following is an entry in ClinVar:

ClinVar aggregate classification (germline): Uncertain significance (1 of 4 stars; one submission).

Conditions:
OTOA-related disorder. Also called: OTOA-related condition.

Submission:

PreventionGenetics, part of Exact Sciences
Classification: Uncertain significance for OTOA-related condition. Last evaluated: 2026-03-24. Review status: criteria provided, single submitter. Criteria: ACMG Guidelines, 2015. Collection method: clinical testing. Allele origin: germline.
Comment: The OTOA c.324_341del18 variant is predicted to result in an in-frame deletion (p.Glu108_Thr113del). To our knowledge, this variant has not been reported in the literature. This variant is reported in 0.0054% of alleles in individuals of European (Non-Finnish) descent in gnomAD. At this time, the clinical significance of this variant is uncertain due to the absence of conclusive functional and genetic evidence.

NM_144672.4(OTOA):c.324_341del (p.Glu108_Thr113del)

Gene: OTOA (otoancorin). Cytogenetic location: 16p12.2.
Variant type: Deletion.
Coding change: c.324_341del on transcript NM_144672.4 (MANE Select); coding-DNA positions 324 to 341, 18 bases deleted.
Protein change: p.Glu108_Thr113del.
Molecular consequence: inframe deletion.
Genome position: GRCh38 VCF-style: chr16-21685283-GGAGGACCTGAGGAAGACA-G. GRCh37 (hg19) VCF-style: chr16-21696604-GGAGGACCTGAGGAAGACA-G.
Other names: c.87_104del, p.Glu29_Thr34del (NM_001161683.2).
Identifiers: ClinVar variation 4977232 (VCV004977232.1).